The following is an entry in ClinVar:

ClinVar aggregate classification (germline): Uncertain significance (1 of 4 stars; one submission).

Conditions:
Neuronopathy, distal hereditary motor, type 7A. Also called: HARPER-YOUNG MYOPATHY; HMN VIIA; Neuronopathy, distal hereditary motor, type viia; NEURONOPATHY, DISTAL HEREDITARY MOTOR, HARDING TYPE VIIA; NEUROPATHY, DISTAL HEREDITARY MOTOR, HARDING TYPE VIIA; Neuronopathy, distal hereditary motor, autosomal dominant 7. Identifiers: Orphanet 139589, MedGen C1834703, MONDO:0008024, OMIM 158580.
Congenital myasthenic syndrome 20. Also called: Myasthenic syndrome, congenital, 20, presynaptic. Identifiers: MedGen C4310694, MONDO:0014939, OMIM 617143.

gnomAD v4.1: 3 of 1,613,770 alleles (0.00019%); highest among the groups gnomAD compares: Non-Finnish European, 0.00017%; no homozygotes.

Submission:

Labcorp Genetics (formerly Invitae), Labcorp
Classification: Uncertain significance for Neuronopathy, distal hereditary motor, type 7A; Congenital myasthenic syndrome 20. Last evaluated: 2024-08-06. Review status: criteria provided, single submitter. Criteria: Invitae Variant Classification Sherloc (09022015). Collection method: clinical testing. Allele origin: germline.
Comment: This sequence change replaces valine, which is neutral and non-polar, with leucine, which is neutral and non-polar, at codon 518 of the SLC5A7 protein (p.Val518Leu). This variant is present in population databases (no rsID available, gnomAD no frequency). This variant has not been reported in the literature in individuals affected with SLC5A7-related conditions. Advanced modeling of protein sequence and biophysical properties (such as structural, functional, and spatial information, amino acid conservation, physicochemical variation, residue mobility, and thermodynamic stability) performed at Invitae indicates that this missense variant is not expected to disrupt SLC5A7 protein function with a negative predictive value of 80%. In summary, the available evidence is currently insufficient to determine the role of this variant in disease. Therefore, it has been classified as a Variant of Uncertain Significance.

NM_021815.5(SLC5A7):c.1552G>C (p.Val518Leu)

Gene: SLC5A7 (solute carrier family 5 member 7; plus strand). Cytogenetic location: 2q12.3.
Variant type: single nucleotide variant.
Coding change: c.1552G>C on transcript NM_021815.5 (MANE Select); coding-DNA position 1552, G replaced by C.
Protein change: p.Val518Leu; replaces valine 518 with leucine.
Molecular consequence: missense variant.
Genome position (GRCh38, 1-based): chr2:108,010,670, G>C. VCF-style: chr2-108010670-G-C. GRCh37 (hg19) VCF-style: chr2-108627126-G-C.
Other names: c.1552G>C, p.Val518Leu (NM_001305005.3); c.1237G>C, p.Val413Leu (NM_001305006.3); c.811G>C, p.Val271Leu (NM_001305007.3); short protein forms V271L, V413L, V518L.
Identifiers: ClinVar variation 3758572 (VCV003758572.2).